The following is an entry in ClinVar:

ClinVar aggregate classification (germline): Conflicting classifications of pathogenicity. Review status: criteria provided, conflicting classifications (1 of 4 stars). 9 submissions from 8 submitters: Uncertain significance (4); Likely benign (5). Last evaluated 2026-04-17.

Conditions:
Basal cell nevus syndrome 1 (BCNS1). Also called: GORLIN-GOLTZ SYNDROME; MULTIPLE BASAL CELL NEVI, ODONTOGENIC KERATOCYSTS, AND SKELETAL ANOMALIES. Identifiers: MedGen CN376810, MONDO:0958174, OMIM 109400.
Holoprosencephaly 7 (HPE7). Identifiers: Orphanet 2162, MedGen C1835820, MONDO:0012562, OMIM 610828.
Basal cell carcinoma, susceptibility to, 1. Also called: BCC1. Identifiers: MedGen C2751544, MONDO:0011556, OMIM 605462.
Hereditary cancer-predisposing syndrome. Also called: Neoplastic Syndromes, Hereditary; Tumor predisposition; Hereditary Cancer Syndrome; Hereditary neoplastic syndrome. Identifiers: Orphanet 140162, MedGen C0027672, MeSH D009386, MONDO:0015356.
Gorlin syndrome. Also called: Nevoid Basal Cell Carcinoma Syndrome; Basal cell nevus syndrome. Identifiers: Orphanet 377, MedGen C0004779, MONDO:0007187.
PTCH1-related disorder. Also called: PTCH1-related disorders; PTCH1-related condition.

Allele frequency attached by ClinVar (database versions not stated): ExAC 0.00005; gnomAD 0.00006 and 0.00007; TOPMed 0.00006; gnomAD exomes 0.00007 and 0.00010; ESP Exome Variant Server 0.00008.
gnomAD v4.1: 115 of 1,611,624 alleles (0.0071%); highest among the groups gnomAD compares: Non-Finnish European, 0.0031%; 1 homozygote.

Submissions (9):

PreventionGenetics, part of Exact Sciences
Classification: Likely benign for PTCH1-related condition. Last evaluated: 2026-04-17. Review status: criteria provided, single submitter. Criteria: ACMG Guidelines, 2015. Collection method: clinical testing. Allele origin: germline.
Comment: This variant is classified as likely benign based on ACMG/AMP sequence variant interpretation guidelines (Richards et al. 2015 PMID: 25741868, with internal and published modifications).

Labcorp Genetics (formerly Invitae), Labcorp
Classification: Likely benign for Gorlin syndrome. Last evaluated: 2026-01-18. Review status: criteria provided, single submitter. Criteria: Invitae Variant Classification Sherloc (09022015). Collection method: clinical testing. Allele origin: germline.

Center for Genomic Medicine, Rigshospitalet, Copenhagen University Hospital
Classification: Uncertain significance. Last evaluated: 2025-12-29. Review status: criteria provided, single submitter. Criteria: ACMG Guidelines, 2015. Collection method: clinical testing. Allele origin: germline.

Department of Pathology and Laboratory Medicine, Sinai Health System
Classification: Likely benign for Basal cell nevus syndrome 1; Basal cell carcinoma, susceptibility to, 1; Holoprosencephaly 7. Last evaluated: 2024-08-15. Review status: criteria provided, single submitter. Criteria: ACMG Guidelines, 2015. Collection method: clinical testing. Allele origin: germline.

Fulgent Genetics
Classification: Uncertain significance for Basal cell nevus syndrome 1; Basal cell carcinoma, susceptibility to, 1; Holoprosencephaly 7. Last evaluated: 2024-02-20. Review status: criteria provided, single submitter. Criteria: ACMG Guidelines, 2015. Collection method: clinical testing. Allele origin: germline.

GeneDx
Classification: Uncertain significance. Last evaluated: 2024-01-10. Review status: criteria provided, single submitter. Criteria: GeneDx Variant Classification Process June 2021. Collection method: clinical testing. Allele origin: germline.
Comment: In silico analysis supports that this missense variant has a deleterious effect on protein structure/function; Reported as an inherited variant in a family with multiple individuals with a diagnosis of autism spectrum disorder (PMID: 36702863); This variant is associated with the following publications: (PMID: 16301862, 8906794, 36702863)

Ambry Genetics
Classification: Likely benign for Hereditary cancer-predisposing syndrome. Last evaluated: 2020-11-05. Review status: criteria provided, single submitter. Criteria: Ambry Variant Classification Scheme 2023. Collection method: clinical testing. Allele origin: germline.

Illumina Laboratory Services, Illumina
Classification: Uncertain significance for Holoprosencephaly 7. Last evaluated: 2018-01-13. Review status: criteria provided, single submitter. Criteria: ICSL Variant Classification Criteria 13 December 2019. Collection method: clinical testing. Allele origin: germline.

Illumina Laboratory Services, Illumina
Classification: Likely benign for Basal cell nevus syndrome 1. Last evaluated: 2018-01-13. Review status: criteria provided, single submitter. Criteria: ICSL Variant Classification Criteria 13 December 2019. Collection method: clinical testing. Allele origin: germline.
Comment: This variant was observed in the ICSL laboratory as part of a predisposition screen in an ostensibly healthy population. It had not been previously curated by ICSL or reported in the Human Gene Mutation Database (HGMD: prior to June 1st, 2018), and was therefore a candidate for classification through an automated scoring system. Utilizing variant allele frequency, disease prevalence and penetrance estimates, and inheritance mode, an automated score was calculated to assess if this variant is too frequent to cause the disease. Based on the score and internal cut-off values, a variant classified as likely benign is not then subjected to further curation. The score for this variant resulted in a classification of likely benign for this disease.

Literature cited by the submitters: PubMed 16301862 (cited by Ambry Genetics).

NM_000264.5(PTCH1):c.884C>T (p.Pro295Leu)

Gene: PTCH1 (patched 1; minus strand). Cytogenetic location: 9q22.32.
Variant type: single nucleotide variant.
Coding change: c.884C>T on transcript NM_000264.5 (MANE Select); coding-DNA position 884, C replaced by T.
Protein change: p.Pro295Leu; replaces proline 295 with leucine.
Molecular consequence: missense variant. On other transcripts: non-coding transcript variant (1).
Genome position (GRCh38, 1-based): chr9:95,480,451, G>A on the plus strand (C>T on the coding strand, the complement: PTCH1 is on the minus strand). VCF-style: chr9-95480451-G-A. GRCh37 (hg19) VCF-style: chr9-98242733-G-A.
Other names: c.686C>T, p.Pro229Leu (NM_001083602.3); c.881C>T, p.Pro294Leu (NM_001083603.3); c.431C>T, p.Pro144Leu (NM_001083604.3, NM_001083605.3, NM_001083606.3 and 1 more transcripts); c.884C>T, p.Pro295Leu (NM_001354918.2); short protein forms P229L, P295L, P144L, P294L.
Identifiers: ClinVar variation 135908 (VCV000135908.25), dbSNP rs370755364, ClinGen allele CA332605.
Genomic context (GRCh38, chr9:95,480,451, plus strand): 5'-TTGGTTGAATTTTTGTTGGGGGCTGTGGCGGGGCAGTCTGGATCGGCCGGATTGAGGCAG[G>A]GGCGGTCCATGTAACCATGACCAACCTCAGCCTTATTCAGCATTTCCTCCCAGCTGTCCA-3'
Protein context (NP_000255.2, residues 285-305): AEVGHGYMDR[Pro295Leu]CLNPADPDCP